The following is an entry in ClinVar:

ClinVar aggregate classification (germline): Uncertain significance. Review status: criteria provided, multiple submitters, no conflicts (2 of 4 stars). 4 submissions from 4 submitters: Uncertain significance (4). Last evaluated 2026-06-10.

Conditions:
Epidermolysis bullosa simplex 5B, with muscular dystrophy (EBS5B). Also called: EPIDERMOLYSIS BULLOSA SIMPLEX AND LIMB-GIRDLE MUSCULAR DYSTROPHY; Epidermolysis bullosa simplex with muscular dystrophy. Identifiers: Orphanet 257, MedGen C2931072, MONDO:0009181, OMIM 226670.
Autosomal recessive limb-girdle muscular dystrophy type 2Q (LGMDR17). Also called: MUSCULAR DYSTROPHY, LIMB-GIRDLE, AUTOSOMAL RECESSIVE 17. Identifiers: Orphanet 254361, MedGen C3150989, MONDO:0013390, OMIM 613723.
Epidermolysis bullosa simplex, Ogna type (EBS5A). Also called: Pidermolysis bullosa simplex 5A, Ogna type; EPIDERMOLYSIS BULLOSA SIMPLEX 5A, OGNA TYPE. Identifiers: Orphanet 79401, MedGen C0432317, MONDO:0007555, OMIM 131950.
Epidermolysis bullosa simplex with nail dystrophy (EBS5D). Identifiers: MedGen C4225309, MONDO:0014661, OMIM 616487.
Epidermolysis bullosa simplex 5C, with pyloric atresia (EBS5C). Also called: PLEC-Related Epidermolysis Bullosa with Pyloric Atresia; Epidermolysis bullosa simplex with pyloric atresia; PLEC1-Related Epidermolysis Bullosa with Pyloric Atresia. Identifiers: Orphanet 158684, MedGen C2677349, MONDO:0012807, OMIM 612138.
Inborn genetic diseases. Identifiers: MedGen C0950123, MeSH D030342.

Allele frequency attached by ClinVar (database versions not stated): ExAC 0.00001; gnomAD 0.00001; ESP Exome Variant Server 0.00008; TOPMed 0.00001; gnomAD exomes 0.00002.
gnomAD v4.1: 23 of 1,612,888 alleles (0.0014%); highest among the groups gnomAD compares: Non-Finnish European, 0.0017%; no homozygotes.

Submissions (4):

Ambry Genetics
Classification: Uncertain significance for Inborn genetic diseases. Last evaluated: 2026-06-10. Review status: criteria provided, single submitter. Criteria: Ambry Variant Classification Scheme 2023. Collection method: clinical testing. Allele origin: germline.

Labcorp Genetics (formerly Invitae), Labcorp
Classification: Uncertain significance for Autosomal recessive limb-girdle muscular dystrophy type 2Q; Epidermolysis bullosa simplex, Ogna type; Epidermolysis bullosa simplex with nail dystrophy; Epidermolysis bullosa simplex 5C, with pyloric atresia; Epidermolysis bullosa simplex 5B, with muscular dystrophy. Last evaluated: 2026-01-06. Review status: criteria provided, single submitter. Criteria: Invitae Variant Classification Sherloc (09022015). Collection method: clinical testing. Allele origin: germline.
Comment: This sequence change replaces alanine, which is neutral and non-polar, with threonine, which is neutral and polar, at codon 2732 of the PLEC protein (p.Ala2732Thr). This variant is present in population databases (rs199512254, gnomAD 0.01%). This variant has not been reported in the literature in individuals affected with PLEC-related conditions. ClinVar contains an entry for this variant (Variation ID: 499882). An algorithm developed to predict the effect of missense changes on protein structure and function (PolyPhen-2) suggests that this variant is likely to be tolerated. In summary, the available evidence is currently insufficient to determine the role of this variant in disease. Therefore, it has been classified as a Variant of Uncertain Significance.

Blueprint Genetics
Classification: Uncertain significance. Last evaluated: 2019-06-10. Review status: criteria provided, single submitter. Criteria: ACMG Guidelines, 2015. Collection method: clinical testing. Allele origin: germline.

Eurofins Ntd Llc (ga)
Classification: Uncertain significance. Last evaluated: 2017-01-17. Review status: criteria provided, single submitter. Criteria: EGL Classification Definitions 2015. Collection method: clinical testing. Allele origin: germline. Observed: 1 variant allele, 1 heterozygote.

NM_201384.3(PLEC):c.8113G>A (p.Ala2705Thr)

Gene: PLEC (plectin; minus strand). Cytogenetic location: 8q24.3.
Variant type: single nucleotide variant.
Coding change: c.8113G>A on transcript NM_201384.3 (MANE Select); coding-DNA position 8113, G replaced by A.
Protein change: p.Ala2705Thr; replaces alanine 2705 with threonine.
Molecular consequence: missense variant.
Genome position (GRCh38, 1-based): chr8:143,921,708, C>T on the plus strand (G>A on the coding strand, the complement: PLEC is on the minus strand). VCF-style: chr8-143921708-C-T. GRCh37 (hg19) VCF-style: chr8-144995876-C-T.
Other names: c.8194G>A (NM_000445.3); c.8194G>A, p.Ala2732Thr (NM_000445.5); c.8071G>A, p.Ala2691Thr (NM_201378.4); c.8047G>A, p.Ala2683Thr (NM_201379.3); c.8524G>A, p.Ala2842Thr (NM_201380.4); c.8017G>A, p.Ala2673Thr (NM_201381.3); c.8113G>A, p.Ala2705Thr (NM_201382.4); c.8125G>A, p.Ala2709Thr (NM_201383.3); short protein forms A2673T, A2683T, A2691T, A2705T, A2709T, A2732T, A2842T.
Identifiers: ClinVar variation 499882 (VCV000499882.10), dbSNP rs199512254, ClinGen allele CA4925416.